The following is an entry in ClinVar:

NM_001134407.3(GRIN2A):c.996C>G (p.His332Gln)

Gene: GRIN2A (glutamate ionotropic receptor NMDA type subunit 2A; minus strand). Cytogenetic location: 16p13.2.
Variant type: single nucleotide variant.
Coding change: c.996C>G on transcript NM_001134407.3 (MANE Select); coding-DNA position 996, C replaced by G.
Protein change: p.His332Gln; replaces histidine 332 with glutamine.
Molecular consequence: missense variant.
Genome position (GRCh38, 1-based): chr16:9,937,970, G>C on the plus strand (C>G on the coding strand, the complement: GRIN2A is on the minus strand). VCF-style: chr16-9937970-G-C. GRCh37 (hg19) VCF-style: chr16-10031827-G-C.
Other names: c.996C>G, p.His332Gln (NM_000833.5, NM_001134408.2); short protein forms H332Q.
Identifiers: ClinVar variation 2628542 (VCV002628542.1), dbSNP rs2543139378, ClinGen allele CA394798045.

ClinVar aggregate classification (germline): Uncertain significance (1 of 4 stars; one submission).

Conditions:
GRIN2A-related complex neurodevelopmental disorder. Also called: GRIN2A-related condition; GRIN2A-related disorder. Identifiers: MedGen CN379781, MONDO:1060139.

Submission:

PreventionGenetics, part of Exact Sciences
Classification: Uncertain significance for GRIN2A-related condition. Last evaluated: 2023-01-11. Review status: criteria provided, single submitter. Criteria: ACMG Guidelines, 2015. Collection method: clinical testing. Allele origin: germline.
Comment: The GRIN2A c.996C>G variant is predicted to result in the amino acid substitution p.His332Gln. To our knowledge, this variant has not been reported in the literature or in a large population database, indicating this variant is rare. At this time, the clinical significance of this variant is uncertain due to the absence of conclusive functional and genetic evidence.